The following is an entry in ClinVar:

NM_003982.4(SLC7A7):c.1376TCA[2] (p.Ile461del)

Gene: SLC7A7 (solute carrier family 7 member 7; minus strand). Cytogenetic location: 14q11.2.
Variant type: Microsatellite.
Coding change: c.1376TCA[2] on transcript NM_003982.4 (MANE Select); two copies in a row of the 3-base unit TCA starting at c.1376; the reference has three copies in a row; one copy, 3 bases deleted.
Protein change: p.Ile461del; deletes isoleucine 461.
Molecular consequence: inframe deletion.
Genome position (GRCh38, 1-based): chr14:22,773,978-22,773,980, TGA deleted on the plus strand (TCA on the coding strand, the reverse complement: SLC7A7 is on the minus strand); deleting any 3 consecutive bases within chr14:22,773,978-22,773,986 gives the same sequence; the position shown is the placement nearest the transcript's 3' end. VCF-style (leftmost placement, unchanged base first): chr14-22773977-CTGA-C. GRCh37 (hg19) VCF-style: chr14-23243186-CTGA-C.
Other names: c.1376TCA[2], p.Ile461del (NM_001126105.3, NM_001126106.4); c.1382_1384delTCA (NM_001126106.2); c.1382_1384del (NM_001126106.4); short protein forms I461del.
Identifiers: ClinVar variation 574026 (VCV000574026.10), dbSNP rs759301639, ClinGen allele CA7104404.
Genomic context (GRCh38, chr14:22,773,977, plus strand): 5'-AGGATGCACGGCTTACCCACGATCCTTCGGAGGTAAAGCGGTCGCTTATGTTCTGGCACT[CTGA>C]TGATGAGGAAGTAAAAGGGCAGGCCTGAGAGGGCAATGGCAATGCCGATGAGGGAGTTGA-3'

ClinVar aggregate classification (germline): Uncertain significance. Review status: criteria provided, single submitter (1 of 4 stars). 2 submissions from 2 submitters: Uncertain significance (1). 1 of the submissions does not count toward it. Last evaluated 2022-10-25.

Conditions:
Lysinuric protein intolerance (LPI). Identifiers: Orphanet 470, MedGen C0268647, MONDO:0009109, OMIM 222700.

Submissions (2):

Labcorp Genetics (formerly Invitae), Labcorp
Classification: Uncertain significance for Lysinuric protein intolerance. Last evaluated: 2022-10-25. Review status: criteria provided, single submitter. Criteria: Invitae Variant Classification Sherloc (09022015). Collection method: clinical testing. Allele origin: germline.
Comment: This variant, c.1382_1384del, results in the deletion of 1 amino acid(s) of the SLC7A7 protein (p.Ile461del), but otherwise preserves the integrity of the reading frame. This variant is present in population databases (rs759301639, gnomAD 0.03%). This variant has not been reported in the literature in individuals affected with SLC7A7-related conditions. ClinVar contains an entry for this variant (Variation ID: 574026). Experimental studies and prediction algorithms are not available or were not evaluated, and the functional significance of this variant is currently unknown. Algorithms developed to predict the effect of sequence changes on RNA splicing suggest that this variant may create or strengthen a splice site. In summary, the available evidence is currently insufficient to determine the role of this variant in disease. Therefore, it has been classified as a Variant of Uncertain Significance.

Natera, Inc.
Classification: Uncertain significance for Lysinuric protein intolerance. Last evaluated: 2019-11-11. Review status: no assertion criteria provided. Collection method: clinical testing. Allele origin: germline. Not counted in ClinVar's aggregate classification.